The following is an entry in ClinVar:

ClinVar aggregate classification (germline): Benign (0 of 4 stars; one submission).

Conditions:
DLGAP2-related disorder. Also called: DLGAP2-related condition.

Allele frequency attached by ClinVar (database versions not stated): 1000 Genomes Project 30x 0.07214; 1000 Genomes Project 0.07328; TOPMed 0.12987; gnomAD 0.14626; ESP Exome Variant Server 0.14990; gnomAD exomes 0.19627; ExAC 0.22275.
gnomAD v4.1: 303,815 of 1,592,856 alleles (19%); highest among the groups gnomAD compares: Non-Finnish European, 22%; 32,087 homozygotes.

Submission:

PreventionGenetics, part of Exact Sciences
Classification: Benign for DLGAP2-related condition. Last evaluated: 2019-10-30. Review status: no assertion criteria provided. Collection method: clinical testing. Allele origin: germline.
Comment: This variant is classified as benign based on ACMG/AMP sequence variant interpretation guidelines (Richards et al. 2015 PMID: 25741868, with internal and published modifications).

NM_001346810.2(DLGAP2):c.1956G>A (p.Pro652=)

Gene: DLGAP2 (DLG associated protein 2; plus strand). Cytogenetic location: 8p23.3.
Variant type: single nucleotide variant.
Coding change: c.1956G>A on transcript NM_001346810.2 (MANE Select); coding-DNA position 1956, G replaced by A.
Protein change: p.Pro652=; no amino-acid change (proline 652 retained).
Molecular consequence: synonymous variant.
Genome position (GRCh38, 1-based): chr8:1,668,474, G>A. VCF-style: chr8-1668474-G-A. GRCh37 (hg19) VCF-style: chr8-1616640-G-A.
Identifiers: ClinVar variation 3059763 (VCV003059763.2), dbSNP rs4565482, ClinGen allele CA4598676.
Genomic context (GRCh38, chr8:1,668,474, plus strand): 5'-GAGCAGCACCGAATCCACCCAGGACGCCTACCAGGACAGCCGCGCACAGAGGATGTCCCC[G>A]TGGCCCCAGGACAGCCGCGGCCTCTACAACTCCACGGACAGCCTGGACAGCAACAAGGCC-3'
Protein context (NP_001333739.1, residues 642-662): YQDSRAQRMS[Pro652=]WPQDSRGLYN